The following is an entry in ClinVar:

NM_001369.3(DNAH5):c.3784G>T (p.Glu1262Ter)

Genes: DNAH5 (dynein axonemal heavy chain 5; minus strand), DNAH5-AS1 (DNAH5 antisense RNA 1; plus strand). Cytogenetic location: 5p15.2.
Variant type: single nucleotide variant.
Coding change: c.3784G>T on transcript NM_001369.3 (MANE Select); coding-DNA position 3784, G replaced by T.
Protein change: p.Glu1262Ter; replaces glutamic acid 1262 with a stop codon.
Molecular consequence: nonsense.
Genome position (GRCh38, 1-based): chr5:13,870,817, C>A on the plus strand (G>T on the coding strand, the complement: DNAH5 is on the minus strand). VCF-style: chr5-13870817-C-A. GRCh37 (hg19) VCF-style: chr5-13870926-C-A.
Other names: short protein forms E1262*.
Identifiers: ClinVar variation 3019112 (VCV003019112.5), dbSNP rs1470329012, ClinGen allele CA359231506.
Genomic context (GRCh38, chr5:13,870,817, plus strand): 5'-CATTAGTTACCTCAATAGGTCCTACTTGAAAGTCAATGGAGATTTGCTCCTCCCTTATTT[C>A]TTTCAGCGCTGCCATTGCAATCCGAATATCATCTAGGTCCTTAATTGGACGATTTAGTTT-3'

ClinVar aggregate classification (germline): Pathogenic. Review status: criteria provided, multiple submitters, no conflicts (2 of 4 stars). 2 submissions from 2 submitters: Pathogenic (2). Last evaluated 2025-04-23.

Conditions:
Primary ciliary dyskinesia. Also called: Ciliary dyskinesia. Identifiers: Orphanet 244, MedGen C0008780, MONDO:0016575, HP:0012265.
Primary ciliary dyskinesia 3. Identifiers: Orphanet 244, MedGen C1837618, MONDO:0012085, OMIM 608644.

gnomAD v4.1: 1 of 1,613,836 alleles (0.000062%); highest among the groups gnomAD compares: Non-Finnish European, 0.000085%; no homozygotes.

Submissions (2):

Myriad Genetics, Inc.
Classification: Pathogenic for Primary ciliary dyskinesia 3. Last evaluated: 2025-04-23. Review status: criteria provided, single submitter. Criteria: Myriad Autosomal Dominant, Autosomal Recessive and X-Linked Classification Criteria (2023). Collection method: clinical testing. Allele origin: unknown.
Comment: NM_001369.2(DNAH5):c.3784G>T(E1262*) is expected to be pathogenic in the context of primary ciliary dyskinesia, DNAH5-related. This variant is predicted to lead to an abnormal or absent protein product due to the creation of a premature termination codon in DNAH5, a gene where loss-of-function variants are known to be pathogenic. Please note: this variant was assessed in the context of healthy population screening.

Labcorp Genetics (formerly Invitae), Labcorp
Classification: Pathogenic for Primary ciliary dyskinesia. Last evaluated: 2023-08-30. Review status: criteria provided, single submitter. Criteria: Invitae Variant Classification Sherloc (09022015). Collection method: clinical testing. Allele origin: germline.
Comment: For these reasons, this variant has been classified as Pathogenic. This variant has not been reported in the literature in individuals affected with DNAH5-related conditions. This variant is not present in population databases (gnomAD no frequency). This sequence change creates a premature translational stop signal (p.Glu1262*) in the DNAH5 gene. It is expected to result in an absent or disrupted protein product. Loss-of-function variants in DNAH5 are known to be pathogenic (PMID: 11788826, 16627867).

Literature cited by the submitters: PubMed 11788826 (cited by Labcorp Genetics (formerly Invitae), Labcorp); PubMed 16627867 (cited by Labcorp Genetics (formerly Invitae), Labcorp).